The following is an entry in ClinVar:

ClinVar aggregate classification (germline): Uncertain significance (1 of 4 stars; one submission).

Conditions:
Muscular dystrophy-dystroglycanopathy (congenital with impaired intellectual development), type B, 3. Also called: Muscular dystrophy-dystroglycanopathy (congenital with intellectual disability), type B3; MUSCULAR DYSTROPHY, CONGENITAL, POMGNT1-RELATED. Identifiers: MedGen C3150412, MONDO:0013155, OMIM 613151.
Autosomal recessive limb-girdle muscular dystrophy type 2O. Also called: Limb-Girdle Muscular Dystrophy Type 3C; MUSCULAR DYSTROPHY-DYSTROGLYCANOPATHY (LIMB-GIRDLE), TYPE C, 3; MUSCULAR DYSTROPHY-DYSTROGLYCANOPATHY, LIMB-GIRDLE, POMGNT1-RELATED. Identifiers: Orphanet 206564, MedGen C3150417, MONDO:0013161, OMIM 613157.

Submission:

Labcorp Genetics (formerly Invitae), Labcorp
Classification: Uncertain significance for Autosomal recessive limb-girdle muscular dystrophy type 2O; Muscular dystrophy-dystroglycanopathy (congenital with impaired intellectual development), type B, 3. Last evaluated: 2021-08-24. Review status: criteria provided, single submitter. Criteria: Invitae Variant Classification Sherloc (09022015). Collection method: clinical testing. Allele origin: germline.
Comment: This sequence change replaces lysine with glutamic acid at codon 18 of the POMGNT1 protein (p.Lys18Glu). The lysine residue is highly conserved and there is a small physicochemical difference between lysine and glutamic acid. This variant is not present in population databases (ExAC no frequency). This variant has not been reported in the literature in individuals affected with POMGNT1-related conditions. Algorithms developed to predict the effect of missense changes on protein structure and function (SIFT, PolyPhen-2, Align-GVGD) all suggest that this variant is likely to be tolerated. In summary, the available evidence is currently insufficient to determine the role of this variant in disease. Therefore, it has been classified as a Variant of Uncertain Significance.

NM_017739.4(POMGNT1):c.52A>G (p.Lys18Glu)

Gene: POMGNT1 (protein O-linked mannose N-acetylglucosaminyltransferase 1 (beta 1,2-); minus strand). Cytogenetic location: 1p34.1.
Variant type: single nucleotide variant.
Coding change: c.52A>G on transcript NM_017739.4 (MANE Select); coding-DNA position 52, A replaced by G.
Protein change: p.Lys18Glu; replaces lysine 18 with glutamic acid.
Molecular consequence: missense variant.
Genome position (GRCh38, 1-based): chr1:46,197,770, T>C on the plus strand (A>G on the coding strand, the complement: POMGNT1 is on the minus strand). VCF-style: chr1-46197770-T-C. GRCh37 (hg19) VCF-style: chr1-46663442-T-C.
Other names: c.52A>G, p.Lys18Glu (NM_001243766.2); short protein forms K18E.
Identifiers: ClinVar variation 538745 (VCV000538745.6), dbSNP rs1553164287, ClinGen allele CA340193006.